The following is an entry in ClinVar:

NM_144670.6(A2ML1):c.3547G>T (p.Ala1183Ser)

Gene: A2ML1 (alpha-2-macroglobulin like 1; plus strand). Cytogenetic location: 12p13.31.
Variant type: single nucleotide variant.
Coding change: c.3547G>T on transcript NM_144670.6 (MANE Select); coding-DNA position 3547, G replaced by T.
Protein change: p.Ala1183Ser; replaces alanine 1183 with serine.
Molecular consequence: missense variant.
Genome position (GRCh38, 1-based): chr12:8,863,838, G>T. VCF-style: chr12-8863838-G-T. GRCh37 (hg19) VCF-style: chr12-9016434-G-T.
Other names: c.2074G>T, p.Ala692Ser (NM_001282424.3); short protein forms A692S, A1183S.
Identifiers: ClinVar variation 4748636 (VCV004748636.1).

ClinVar aggregate classification (germline): Uncertain significance (1 of 4 stars; one submission).

gnomAD v4.1: 3 of 1,614,160 alleles (0.00019%); highest among the groups gnomAD compares: Non-Finnish European, 0.00025%; no homozygotes.

Submission:

Labcorp Genetics (formerly Invitae), Labcorp
Classification: Uncertain significance. Last evaluated: 2025-02-13. Review status: criteria provided, single submitter. Criteria: Invitae Variant Classification Sherloc (09022015). Collection method: clinical testing. Allele origin: germline.
Comment: This sequence change replaces alanine, which is neutral and non-polar, with serine, which is neutral and polar, at codon 1183 of the A2ML1 protein (p.Ala1183Ser). The frequency data for this variant in the population databases is considered unreliable, as metrics indicate poor data quality at this position in the gnomAD database. This variant has not been reported in the literature in individuals affected with A2ML1-related conditions. An algorithm developed to predict the effect of missense changes on protein structure and function (PolyPhen-2) suggests that this variant is likely to be tolerated. In summary, the available evidence is currently insufficient to determine the role of this variant in disease. Therefore, it has been classified as a Variant of Uncertain Significance.